The following is an entry in ClinVar:

NM_001378969.1(KCND3):c.207G>C (p.Thr69=)

Gene: KCND3 (potassium voltage-gated channel subfamily D member 3; minus strand). Cytogenetic location: 1p13.2.
Variant type: single nucleotide variant.
Coding change: c.207G>C on transcript NM_001378969.1 (MANE Select); coding-DNA position 207, G replaced by C.
Protein change: p.Thr69=; no amino-acid change (threonine 69 retained).
Molecular consequence: synonymous variant.
Genome position (GRCh38, 1-based): chr1:111,982,520, C>G on the plus strand (G>C on the coding strand, the complement: KCND3 is on the minus strand). VCF-style: chr1-111982520-C-G. GRCh37 (hg19) VCF-style: chr1-112525142-C-G.
Other names: c.207G>C, p.Thr69= (NM_001378970.1, NM_004980.5, NM_172198.3).
Identifiers: ClinVar variation 4682453 (VCV004682453.1).

ClinVar aggregate classification (germline): Likely benign (1 of 4 stars; one submission).

gnomAD v4.1: 1 of 1,607,334 alleles (0.000062%); highest among the groups gnomAD compares: South Asian, 0.0011%; no homozygotes.

Submission:

Athena Diagnostics
Classification: Likely benign. Last evaluated: 2025-06-02. Review status: criteria provided, single submitter. Criteria: Athena Diagnostics Criteria. Collection method: clinical testing. Allele origin: unknown.
Comment: This variant has not been reported in large, multi-ethnic general populations. Computational tools yielded predictions that this variant is unlikely to have an effect on normal RNA splicing. This nucleotide position exhibits low evolutionary conservation. This variant has been seen where an alternate explanation for disease was also identified.